The following is an entry in ClinVar:

ClinVar aggregate classification (germline): Likely pathogenic (0 of 4 stars; one submission).

Conditions:
ARL6-related disorder. Also called: ARL6-related condition.

Submission:

PreventionGenetics, part of Exact Sciences
Classification: Likely pathogenic for ARL6-related condition. Last evaluated: 2024-09-20. Review status: no assertion criteria provided. Collection method: clinical testing. Allele origin: germline.
Comment: The ARL6 c.124-2A>C variant is predicted to disrupt the AG splice acceptor site and interfere with normal splicing. To our knowledge, this variant has not been reported in the literature or in a large population database, indicating this variant is rare. Variants that disrupt consensus splice acceptor sites in ARL6 are expected to be pathogenic. Therefore, this variant is interpreted as likely pathogenic.

NM_001278293.3(ARL6):c.124-2A>C

Gene: ARL6 (ARF like GTPase 6; plus strand). Cytogenetic location: 3q11.2.
Variant type: single nucleotide variant.
Coding change: c.124-2A>C on transcript NM_001278293.3 (MANE Select); the canonical splice acceptor site of the intron before coding-DNA position 124, A replaced by C.
Molecular consequence: splice acceptor variant.
Genome position (GRCh38, 1-based): chr3:97,780,157, A>C. VCF-style: chr3-97780157-A-C. GRCh37 (hg19) VCF-style: chr3-97499001-A-C.
Other names: c.124-2A>C (NM_032146.5, NM_177976.3, NM_001323513.2 and 1 more transcripts).
Identifiers: ClinVar variation 3353809 (VCV003353809.1).